The following is an entry in ClinVar:

NM_015559.3(SETBP1):c.244G>T (p.Ala82Ser)

Gene: SETBP1 (SET binding protein 1; plus strand). Cytogenetic location: 18q12.3.
Variant type: single nucleotide variant.
Coding change: c.244G>T on transcript NM_015559.3 (MANE Select); coding-DNA position 244, G replaced by T.
Protein change: p.Ala82Ser; replaces alanine 82 with serine.
Molecular consequence: missense variant.
Genome position (GRCh38, 1-based): chr18:44,701,590, G>T. VCF-style: chr18-44701590-G-T. GRCh37 (hg19) VCF-style: chr18-42281555-G-T.
Other names: c.244G>T, p.Ala82Ser (NM_001130110.2, NM_001379141.1, NM_001379142.1 and 1 more transcripts); c.244G>T (NM_015559.2); short protein forms A82S.
Identifiers: ClinVar variation 2802341 (VCV002802341.4), dbSNP rs2511333154, ClinGen allele CA402481743.

ClinVar aggregate classification (germline): Conflicting classifications of pathogenicity. Review status: criteria provided, conflicting classifications (1 of 4 stars). 2 submissions from 2 submitters: Uncertain significance (1); Likely benign (1). Last evaluated 2024-10-24.

Submissions (2):

Labcorp Genetics (formerly Invitae), Labcorp
Classification: Likely benign. Last evaluated: 2024-10-24. Review status: criteria provided, single submitter. Criteria: Invitae Variant Classification Sherloc (09022015). Collection method: clinical testing. Allele origin: germline.

GeneDx
Classification: Uncertain significance. Last evaluated: 2024-01-03. Review status: criteria provided, single submitter. Criteria: GeneDx Variant Classification Process June 2021. Collection method: clinical testing. Allele origin: germline. Affected: yes.
Comment: Not observed at significant frequency in large population cohorts (gnomAD); In silico analysis supports that this missense variant does not alter protein structure/function; Has not been previously published as pathogenic or benign to our knowledge